The following is an entry in ClinVar:

NM_005732.4(RAD50):c.107G>C (p.Gly36Ala)

Gene: RAD50 (RAD50 double strand break repair protein; plus strand). Cytogenetic location: 5q31.1.
Variant type: single nucleotide variant.
Coding change: c.107G>C on transcript NM_005732.4 (MANE Select); coding-DNA position 107, G replaced by C.
Protein change: p.Gly36Ala; replaces glycine 36 with alanine.
Molecular consequence: missense variant.
Genome position (GRCh38, 1-based): chr5:132,557,431, G>C. VCF-style: chr5-132557431-G-C. GRCh37 (hg19) VCF-style: chr5-131893123-G-C.
Other names: short protein forms G36A.
Identifiers: ClinVar variation 3942191 (VCV003942191.1).

ClinVar aggregate classification (germline): Uncertain significance (1 of 4 stars; one submission).

Conditions:
Hereditary cancer-predisposing syndrome. Also called: Tumor predisposition; Hereditary neoplastic syndrome; Hereditary Cancer Syndrome; Neoplastic Syndromes, Hereditary. Identifiers: Orphanet 140162, MedGen C0027672, MeSH D009386, MONDO:0015356.

Submission:

Ambry Genetics
Classification: Uncertain significance for Hereditary cancer-predisposing syndrome. Last evaluated: 2025-05-11. Review status: criteria provided, single submitter. Criteria: Ambry Variant Classification Scheme 2023. Collection method: clinical testing. Allele origin: germline.
Comment: The p.G36A variant (also known as c.107G>C), located in coding exon 1 of the RAD50 gene, results from a G to C substitution at nucleotide position 107. The glycine at codon 36 is replaced by alanine, an amino acid with similar properties. This amino acid position is conserved. In addition, this alteration is predicted to be deleterious by in silico analysis. Based on the available evidence, the clinical significance of this variant remains unclear.